The following is an entry in ClinVar:

NM_004006.3(DMD):c.10509_10510del (p.Glu3505fs)

Gene: DMD (dystrophin; minus strand). Cytogenetic location: Xp21.2.
Variant type: Microsatellite.
Coding change: c.10509_10510del on transcript NM_004006.3 (MANE Select); coding-DNA positions 10509 to 10510, 2 bases deleted (AG; older notation c.10509_10510delAG).
Protein change: p.Glu3505fs; shifts the reading frame from glutamic acid 3505.
Molecular consequence: frameshift variant. On other transcripts: intron variant (2).
Genome position (GRCh38, 1-based): chrX:31,169,486-31,169,487, CT deleted on the plus strand (AG on the coding strand, the reverse complement: DMD is on the minus strand); deleting any 2 consecutive bases within chrX:31,169,486-31,169,489 gives the same sequence; the c. name uses the placement nearest the transcript's 3' end. VCF-style (leftmost placement, unchanged base first): chrX-31169485-CCT-C. GRCh37 (hg19) VCF-style: chrX-31187602-CCT-C.
Other names: c.10509_10510del (NM_004006.2); c.6477_6478del, p.Glu2161fs (NM_004012.4); c.3129_3130del, p.Glu1045fs (NM_004013.3, NM_004021.3); c.2322_2323del, p.Glu776fs (NM_004014.3); c.1305_1306del, p.Glu437fs (NM_004015.3, NM_004016.3); c.1266_1267del, p.Glu424fs (NM_004017.3, NM_004018.3); c.3090_3091del, p.Glu1032fs (NM_004022.3); c.10485_10486del, p.Glu3497fs (NM_000109.4); and 4 more; short protein forms E2161fs, E1045fs, E3382fs, E3497fs, E3505fs, E424fs, E437fs, E2164fs.
Identifiers: ClinVar variation 224665 (VCV000224665.8), dbSNP rs878854366, ClinGen allele CA10575987.

ClinVar aggregate classification (germline): Pathogenic/Likely pathogenic. Review status: criteria provided, multiple submitters, no conflicts (2 of 4 stars). 4 submissions from 4 submitters: Pathogenic (3); Likely pathogenic (1). Last evaluated 2025-05-30.

Conditions:
Duchenne muscular dystrophy (DMD). Also called: MUSCULAR DYSTROPHY, PSEUDOHYPERTROPHIC PROGRESSIVE, DUCHENNE TYPE; Duchenne Muscular Dystrophy (DMD). Identifiers: Orphanet 98896, MedGen C0013264, MONDO:0010679, OMIM 310200.

Submissions (4):

Revvity Omics, Revvity
Classification: Pathogenic. Last evaluated: 2025-05-30. Review status: criteria provided, single submitter. Criteria: ACMG Guidelines, 2015. Collection method: clinical testing. Allele origin: germline.

Labcorp Genetics (formerly Invitae), Labcorp
Classification: Pathogenic for Duchenne muscular dystrophy. Last evaluated: 2025-03-30. Review status: criteria provided, single submitter. Criteria: Invitae Variant Classification Sherloc (09022015). Collection method: clinical testing. Allele origin: germline.
Comment: This sequence change creates a premature translational stop signal (p.Glu3505Alafs*9) in the DMD gene. It is expected to result in an absent or disrupted protein product. Loss-of-function variants in DMD are known to be pathogenic (PMID: 16770791, 25007885). This variant is not present in population databases (gnomAD no frequency). This premature translational stop signal has been observed in individual(s) with DMD-related conditions (PMID: 10196701). This variant is also known as 10716delGA. ClinVar contains an entry for this variant (Variation ID: 224665). For these reasons, this variant has been classified as Pathogenic.

Laboratory of Medical Genetics, National & Kapodistrian University of Athens
Classification: Pathogenic for Duchenne muscular dystrophy. Last evaluated: 2022-12-16. Review status: criteria provided, single submitter. Criteria: ACMG Guidelines, 2015. Collection method: clinical testing. Allele origin: germline. Affected: yes.
Comment: PVS1, PM2, PP5

Center for Genetic Medicine Research, Children's National Medical Center
Classification: Likely pathogenic for Duchenne muscular dystrophy. Last evaluated: 2015-12-01. Review status: criteria provided, single submitter. Criteria: Punetha et al. (J Neuromuscul Dis. 2016). Collection method: research. Allele origin: inherited. Affected: yes.

Literature cited by the submitters: PubMed 16770791 (cited by Labcorp Genetics (formerly Invitae), Labcorp); PubMed 25007885 (cited by Labcorp Genetics (formerly Invitae), Labcorp); PubMed 10196701 (cited by Labcorp Genetics (formerly Invitae), Labcorp).